The following is an entry in ClinVar:

ClinVar aggregate classification (germline): Likely benign (1 of 4 stars; one submission).

gnomAD v4.1: 1 of 1,548,396 alleles (0.000065%); highest among the groups gnomAD compares: Non-Finnish European, 0.000087%; no homozygotes.

Submission:

CeGaT Center for Human Genetics Tuebingen
Classification: Likely benign. Last evaluated: 2025-05-01. Review status: criteria provided, single submitter. Criteria: CeGaT Center For Human Genetics Tuebingen Variant Classification Criteria Version 2. Collection method: clinical testing. Allele origin: germline. Affected: yes. Observed: 1 variant allele.
Comment: RERE: BP4, BP7

NM_001042681.2(RERE):c.2817G>T (p.Leu939=)

Gene: RERE (arginine-glutamic acid dipeptide repeats; minus strand). Cytogenetic location: 1p36.23.
Variant type: single nucleotide variant.
Coding change: c.2817G>T on transcript NM_001042681.2 (MANE Select); coding-DNA position 2817, G replaced by T.
Protein change: p.Leu939=; no amino-acid change (leucine 939 retained).
Molecular consequence: synonymous variant.
Genome position (GRCh38, 1-based): chr1:8,360,690, C>A on the plus strand (G>T on the coding strand, the complement: RERE is on the minus strand). VCF-style: chr1-8360690-C-A. GRCh37 (hg19) VCF-style: chr1-8420750-C-A.
Other names: c.1155G>T, p.Leu385= (NM_001042682.2); c.2817G>T, p.Leu939= (NM_012102.4).
Identifiers: ClinVar variation 3905543 (VCV003905543.10).